The following is an entry in ClinVar:

ClinVar aggregate classification (germline): Conflicting classifications of pathogenicity. Review status: criteria provided, conflicting classifications (1 of 4 stars). 5 submissions from 5 submitters: Uncertain significance (3); Likely benign (2). Last evaluated 2025-03-18.

Conditions:
Cardiovascular phenotype. Identifiers: MedGen CN230736.
Cardiomyopathy (CMYO). Also called: Cardiomyopathies. Identifiers: Orphanet 167848, MedGen C0878544, MONDO:0004994, HP:0001638. Inheritance: Various modes of inheritance.
Arrhythmogenic cardiomyopathy with wooly hair and keratoderma. Also called: Dilated cardiomyopathy with woolly hair and keratoderma; Arrhythmogenic cardiomyopathy with woolly hair and keratoderma; PALMOPLANTAR KERATODERMA WITH LEFT VENTRICULAR CARDIOMYOPATHY AND WOOLLY HAIR; Carvajal syndrome. Identifiers: Orphanet 65282, MedGen C1854063, MONDO:0011581, OMIM 605676.
Arrhythmogenic right ventricular dysplasia 8 (ARVD8). Also called: ARRHYTHMOGENIC RIGHT VENTRICULAR DYSPLASIA, FAMILIAL, 8; ARRHYTHMOGENIC RIGHT VENTRICULAR CARDIOMYOPATHY 8; Arrhythmogenic Right Ventricular Dysplasia/Cardiomyopathy 8. Identifiers: MedGen C1843896, MONDO:0011831, OMIM 607450.

Allele frequency attached by ClinVar (database versions not stated): TOPMed below 0.00001; gnomAD 0.00003.

Submissions (5):

Labcorp Genetics (formerly Invitae), Labcorp
Classification: Likely benign for Arrhythmogenic cardiomyopathy with wooly hair and keratoderma; Arrhythmogenic right ventricular dysplasia 8. Last evaluated: 2025-03-18. Review status: criteria provided, single submitter. Criteria: Invitae Variant Classification Sherloc (09022015). Collection method: clinical testing. Allele origin: germline.

Color Diagnostics, LLC DBA Color Health
Classification: Uncertain significance for Cardiomyopathy. Last evaluated: 2024-03-06. Review status: criteria provided, single submitter. Criteria: ACMG Guidelines, 2015. Collection method: clinical testing. Allele origin: germline.
Comment: This missense variant replaces arginine with serine at codon 19 of the DSP protein. Computational prediction suggests that this variant may not impact protein structure and function (internally defined REVEL score threshold <= 0.5, PMID: 27666373). To our knowledge, functional studies have not been reported for this variant. This variant has not been reported in individuals affected with cardiovascular disorders in the literature. This variant has been identified in 2/257152 chromosomes in the general population by the Genome Aggregation Database (gnomAD). The available evidence is insufficient to determine the role of this variant in disease conclusively. Therefore, this variant is classified as a Variant of Uncertain Significance.

All of Us Research Program, National Institutes of Health
Classification: Uncertain significance for Arrhythmogenic cardiomyopathy with wooly hair and keratoderma. Last evaluated: 2023-11-30. Review status: criteria provided, single submitter. Criteria: ACMG Guidelines, 2015. Collection method: clinical testing. Allele origin: germline. Inheritance: Autosomal dominant inheritance. Observed: 1 variant allele, 1 heterozygote.
Comment: This study involves interpretation of variants in research participants for the purpose of population health screening. Participant phenotype was not available at the time of variant classification. Additional details can be found in publication PMID: 35346344, PMCID: PMC8962531

Ambry Genetics
Classification: Uncertain significance for Cardiovascular phenotype. Last evaluated: 2023-02-21. Review status: criteria provided, single submitter. Criteria: Ambry Variant Classification Scheme 2023. Collection method: clinical testing. Allele origin: germline.
Comment: The p.R19S variant (also known as c.55C>A), located in coding exon 1 of the DSP gene, results from a C to A substitution at nucleotide position 55. The arginine at codon 19 is replaced by serine, an amino acid with dissimilar properties. This amino acid position is highly conserved in available vertebrate species. In addition, the in silico prediction for this alteration is inconclusive. Since supporting evidence is limited at this time, the clinical significance of this alteration remains unclear.

GeneDx
Classification: Likely benign. Last evaluated: 2018-03-28. Review status: criteria provided, single submitter. Criteria: GeneDx Variant Classification (06012015). Collection method: clinical testing. Allele origin: germline. Affected: yes.
Comment: This variant is considered likely benign or benign based on one or more of the following criteria: it is a conservative change, it occurs at a poorly conserved position in the protein, it is predicted to be benign by multiple in silico algorithms, and/or has population frequency not consistent with disease.

NM_004415.4(DSP):c.55C>A (p.Arg19Ser)

Genes: DSP (desmoplakin; plus strand), DSP-AS1 (DSP antisense RNA 1; minus strand). Cytogenetic location: 6p24.3.
Variant type: single nucleotide variant.
Coding change: c.55C>A on transcript NM_004415.4 (MANE Select); coding-DNA position 55, C replaced by A.
Protein change: p.Arg19Ser; replaces arginine 19 with serine.
Molecular consequence: missense variant.
Genome position (GRCh38, 1-based): chr6:7,541,970, C>A. VCF-style: chr6-7541970-C-A. GRCh37 (hg19) VCF-style: chr6-7542203-C-A.
Other names: c.55C>A (LRG_423t1); c.55C>A, p.Arg19Ser (NM_001008844.3, NM_001319034.2); short protein forms R19S.
Identifiers: ClinVar variation 641672 (VCV000641672.16), dbSNP rs777340009, ClinGen allele CA362675607.